The following is an entry in ClinVar:

NC_000005.9:g.(?_178770748)_(178772329_?)dup

Gene: ADAMTS2 (ADAM metallopeptidase with thrombospondin type 1 motif 2; minus strand). Cytogenetic location: 5q35.3.
Variant type: Duplication.
Identifiers: ClinVar variation 2425923 (VCV002425923.2).

ClinVar aggregate classification (germline): Uncertain significance (1 of 4 stars; one submission).

Conditions:
Ehlers-Danlos syndrome, dermatosparaxis type. Also called: Dermatosparaxis; Ehlers-Danlos syndrome, type VII, autosomal recessive; EDS VIIC. Identifiers: Orphanet 1901, MedGen C2700425, MONDO:0009161, OMIM 225410.

Submission:

Labcorp Genetics (formerly Invitae), Labcorp
Classification: Uncertain significance for Ehlers-Danlos syndrome, dermatosparaxis type. Last evaluated: 2022-10-18. Review status: criteria provided, single submitter. Criteria: Invitae Variant Classification Sherloc (09022015). Collection method: clinical testing. Allele origin: germline.
Comment: This variant results in a copy number gain of the genomic region encompassing exon(s) 1-2 of the ADAMTS2 gene. This region includes the initiator codon of the gene. This copy number gain extends beyond the assayed region for this gene and therefore may encompass additional genes. As the precise location of this event is unknown, it may be in tandem or it may be located elsewhere in the genome. This variant has not been reported in the literature in individuals affected with ADAMTS2-related conditions. In summary, the available evidence is currently insufficient to determine the role of this variant in disease. Therefore, it has been classified as a Variant of Uncertain Significance.